The following is an entry in ClinVar:

ClinVar aggregate classification (germline): Uncertain significance (1 of 4 stars; one submission).

Conditions:
Autosomal dominant limb-girdle muscular dystrophy type 1F (LGMDD2). Also called: Limb-girdle muscular dystrophy, type 1F; MUSCULAR DYSTROPHY, LIMB-GIRDLE, AUTOSOMAL DOMINANT 2. Identifiers: Orphanet 55595, MedGen C1842062, MONDO:0012034, OMIM 608423.

Submission:

Labcorp Genetics (formerly Invitae), Labcorp
Classification: Uncertain significance for Autosomal dominant limb-girdle muscular dystrophy type 1F. Last evaluated: 2025-05-08. Review status: criteria provided, single submitter. Criteria: Invitae Variant Classification Sherloc (09022015). Collection method: clinical testing. Allele origin: germline.
Comment: This sequence change affects a donor splice site in intron 18 of the TNPO3 gene. It is expected to disrupt RNA splicing. Variants that disrupt the donor or acceptor splice site typically lead to a loss of protein function (PMID: 16199547), however the current clinical and genetic evidence is not sufficient to establish whether loss-of-function variants in TNPO3 cause disease. This variant is not present in population databases (gnomAD no frequency). This variant has not been reported in the literature in individuals affected with TNPO3-related conditions. Algorithms developed to predict the effect of sequence changes on RNA splicing suggest that this variant may disrupt the consensus splice site. In summary, the available evidence is currently insufficient to determine the role of this variant in disease. Therefore, it has been classified as a Variant of Uncertain Significance.

Literature cited by the submitters: PubMed 16199547.

NM_012470.4(TNPO3):c.2273+2T>C

Gene: TNPO3 (transportin 3; minus strand). Cytogenetic location: 7q32.1.
Variant type: single nucleotide variant.
Coding change: c.2273+2T>C on transcript NM_012470.4 (MANE Select); the canonical splice donor site of the intron after coding-DNA position 2273, T replaced by C.
Molecular consequence: splice donor variant.
Genome position (GRCh38, 1-based): chr7:128,974,866, A>G on the plus strand (T>C on the coding strand, the complement: TNPO3 is on the minus strand). VCF-style: chr7-128974866-A-G. GRCh37 (hg19) VCF-style: chr7-128614920-A-G.
Other names: c.2129+2T>C (NM_001382221.1); c.2126+2T>C (NM_001382222.1); c.2165+2T>C (NM_001382219.1); c.2081+2T>C (NM_001382223.1, NM_001191028.3); c.2132+2T>C (NM_001382220.1); c.2273+2T>C (NM_001382218.1); c.2375+2T>C (NM_001382216.1); c.2354+2T>C (NM_001382217.1).
Identifiers: ClinVar variation 4718849 (VCV004718849.1).